The following is an entry in ClinVar:

NM_000540.3(RYR1):c.14110C>A (p.Arg4704=)

Gene: RYR1 (ryanodine receptor 1; plus strand). Cytogenetic location: 19q13.2.
Variant type: single nucleotide variant.
Coding change: c.14110C>A on transcript NM_000540.3 (MANE Select); coding-DNA position 14110, C replaced by A.
Protein change: p.Arg4704=; no amino-acid change (arginine 4704 retained).
Molecular consequence: synonymous variant.
Genome position (GRCh38, 1-based): chr19:38,573,288, C>A. VCF-style: chr19-38573288-C-A. GRCh37 (hg19) VCF-style: chr19-39063928-C-A.
Other names: c.14095C>A, p.Arg4699= (NM_001042723.2).
Identifiers: ClinVar variation 3071980 (VCV003071980.1), dbSNP rs1568595930, ClinGen allele CA507245182.

ClinVar aggregate classification (germline): Likely benign (1 of 4 stars; one submission).

Conditions:
Malignant hyperthermia, susceptibility to, 1 (MHS1). Also called: Anesthesia related hyperthermia; Malignant hyperpyrexia; Fulminating hyperpyrexia; Pharmacogenic myopathy; RYR1-Related Malignant Hyperthermia Susceptibility; Malignant hyperthermia suceptibility 1. Identifiers: Orphanet 423, MedGen C2930980, MONDO:0007783, OMIM 145600.

Submission:

All of Us Research Program, National Institutes of Health
Classification: Likely benign for Malignant hyperthermia, susceptibility to, 1. Last evaluated: 2023-06-26. Review status: criteria provided, single submitter. Criteria: ACMG Guidelines, 2015. Collection method: clinical testing. Allele origin: germline. Inheritance: Autosomal dominant inheritance. Observed: 1 variant allele, 1 heterozygote.
Comment: This study involves interpretation of variants in research participants for the purpose of population health screening. Participant phenotype was not available at the time of variant classification. Additional details can be found in publication PMID: 35346344, PMCID: PMC8962531